The following is an entry in ClinVar:

NM_001374736.1(DST):c.17582A>G (p.Gln5861Arg)

Gene: DST (dystonin; minus strand). Cytogenetic location: 6p12.1.
Variant type: single nucleotide variant.
Coding change: c.17582A>G on transcript NM_001374736.1 (MANE Select); coding-DNA position 17582, A replaced by G.
Protein change: p.Gln5861Arg; replaces glutamine 5861 with arginine.
Molecular consequence: missense variant. On other transcripts: intron variant (2).
Genome position (GRCh38, 1-based): chr6:56,529,461, T>C on the plus strand (A>G on the coding strand, the complement: DST is on the minus strand). VCF-style: chr6-56529461-T-C. GRCh37 (hg19) VCF-style: chr6-56394259-T-C.
Other names: c.11225A>G, p.Gln3742Arg (NM_001144769.5); c.10811A>G, p.Gln3604Arg (NM_001144770.2); c.17582A>G, p.Gln5861Arg (NM_001374722.1); c.17609A>G, p.Gln5870Arg (NM_001374734.1); c.10691A>G, p.Gln3564Arg (NM_001386100.1, NM_183380.4); c.9713A>G, p.Gln3238Arg (NM_015548.5); c.10377+513A>G (NM_001374730.1); c.16635+513A>G (NM_001374729.1); short protein forms Q3238R, Q3564R, Q3604R, Q3742R, Q5861R, Q5870R.
Identifiers: ClinVar variation 1414401 (VCV001414401.6), dbSNP rs2152511455, ClinGen allele CA364507675.
Genomic context (GRCh38, chr6:56,529,461, plus strand): 5'-GACAATTGAAATGAAAAAATAAGATAAAATAAAATAAATCAAAATACCCGAAGTTCAGAC[T>C]GCTGCTTCCATAGCCCCTCAGTGCTGTAATCCTGGACTGAGAGCTTGCTCAGTTTGTCAT-3'
Protein context (NP_001361665.1, residues 5851-5871): DYSTEGLWKQ[Gln5861Arg]SELRVLQEDI

ClinVar aggregate classification (germline): Uncertain significance (1 of 4 stars; one submission).

Conditions:
Hereditary sensory and autonomic neuropathy type 6. Also called: HSAN VI; Neuropathy, hereditary sensory and autonomic, type VI. Identifiers: Orphanet 314381, MedGen C3539003, MONDO:0013839, OMIM 614653.
Epidermolysis bullosa simplex 3, localized or generalized intermediate, with BP230 deficiency (EBS3). Also called: Epidermolysis bullosa simplex, autosomal recessive 2; Epidermolysis bullosa simplex due to BP230 deficiency. Identifiers: Orphanet 412181, MedGen C3809470, MONDO:0014180, OMIM 615425.

gnomAD v4.1: 2 of 1,497,354 alleles (0.00013%); highest among the groups gnomAD compares: Non-Finnish European, 0.00018%; no homozygotes.

Submission:

Labcorp Genetics (formerly Invitae), Labcorp
Classification: Uncertain significance for Epidermolysis bullosa simplex 3, localized or generalized intermediate, with BP230 deficiency; Hereditary sensory and autonomic neuropathy type 6. Last evaluated: 2025-11-09. Review status: criteria provided, single submitter. Criteria: Invitae Variant Classification Sherloc (09022015). Collection method: clinical testing. Allele origin: germline.
Comment: The DST gene has multiple clinically relevant transcripts. This variant occurs in alternate transcript NM_015548.4, and corresponds to NM_001723.5:c.*86056A>G in the primary transcript. This sequence change replaces glutamine, which is neutral and polar, with arginine, which is basic and polar, at codon 3238 of the DST protein (p.Gln3238Arg). This variant is not present in population databases (gnomAD no frequency). This variant has not been reported in the literature in individuals affected with DST-related conditions. Experimental studies and prediction algorithms are not available or were not evaluated, and the functional significance of this variant is currently unknown. In summary, the available evidence is currently insufficient to determine the role of this variant in disease. Therefore, it has been classified as a Variant of Uncertain Significance.